The following is an entry in ClinVar:

NM_004655.4(AXIN2):c.1062A>C (p.Arg354Ser)

Gene: AXIN2 (axin 2; minus strand). Cytogenetic location: 17q24.1.
Variant type: single nucleotide variant.
Coding change: c.1062A>C on transcript NM_004655.4 (MANE Select); coding-DNA position 1062, A replaced by C.
Protein change: p.Arg354Ser; replaces arginine 354 with serine.
Molecular consequence: missense variant.
Genome position (GRCh38, 1-based): chr17:65,538,341, T>G on the plus strand (A>C on the coding strand, the complement: AXIN2 is on the minus strand). VCF-style: chr17-65538341-T-G. GRCh37 (hg19) VCF-style: chr17-63534459-T-G.
Other names: c.1062A>C, p.Arg354Ser (NM_001363813.1); short protein forms R354S.
Identifiers: ClinVar variation 5032661 (VCV005032661.1).

ClinVar aggregate classification (germline): Uncertain significance (1 of 4 stars; one submission).

Conditions:
Hereditary cancer-predisposing syndrome. Also called: Neoplastic Syndromes, Hereditary; Tumor predisposition; Hereditary neoplastic syndrome; Hereditary Cancer Syndrome. Identifiers: Orphanet 140162, MedGen C0027672, MeSH D009386, MONDO:0015356.

Submission:

Ambry Genetics
Classification: Uncertain significance for Hereditary cancer-predisposing syndrome. Last evaluated: 2026-07-16. Review status: criteria provided, single submitter. Criteria: Ambry Variant Classification Scheme 2023. Collection method: clinical testing. Allele origin: germline.
Comment: The p.R354S variant (also known as c.1062A>C), located in coding exon 4 of the AXIN2 gene, results from an A to C substitution at nucleotide position 1062. The arginine at codon 354 is replaced by serine, an amino acid with dissimilar properties. This amino acid position is highly conserved in available vertebrate species. In addition, this alteration is predicted to be deleterious by in silico analysis. Based on the available evidence, the clinical significance of this variant remains unclear.